The following is an entry in ClinVar:

ClinVar aggregate classification (germline): Uncertain significance (1 of 4 stars; one submission).

gnomAD v4.1: 1 of 1,614,110 alleles (0.000062%); highest among the groups gnomAD compares: Non-Finnish European, 0.000085%; no homozygotes.

Submission:

GeneDx
Classification: Uncertain significance. Last evaluated: 2025-10-13. Review status: criteria provided, single submitter. Criteria: GeneDx Variant Classification Process June 2021. Collection method: clinical testing. Allele origin: germline.
Comment: Not observed at significant frequency in large population cohorts (gnomAD); In silico analysis suggests that this missense variant does not alter protein structure/function; Has not been previously published as pathogenic or benign to our knowledge

NM_007118.4(TRIO):c.5737A>G (p.Ile1913Val)

Gene: TRIO (trio Rho guanine nucleotide exchange factor; plus strand). Cytogenetic location: 5p15.2.
Variant type: single nucleotide variant.
Coding change: c.5737A>G on transcript NM_007118.4 (MANE Select); coding-DNA position 5737, A replaced by G.
Protein change: p.Ile1913Val; replaces isoleucine 1913 with valine.
Molecular consequence: missense variant. On other transcripts: non-coding transcript variant (1).
Genome position (GRCh38, 1-based): chr5:14,465,614, A>G. VCF-style: chr5-14465614-A-G. GRCh37 (hg19) VCF-style: chr5-14465723-A-G.
Other names: short protein forms I1913V.
Identifiers: ClinVar variation 3764413 (VCV003764413.2).